The following is an entry in ClinVar:

ClinVar aggregate classification (germline): Uncertain significance (1 of 4 stars; one submission).

Allele frequency attached by ClinVar (database versions not stated): gnomAD exomes below 0.00001; TOPMed below 0.00001; ExAC 0.00001.
gnomAD v4.1: 3 of 1,584,078 alleles (0.00019%); highest among the groups gnomAD compares: East Asian, 0.0022%; no homozygotes.

Submission:

Labcorp Genetics (formerly Invitae), Labcorp
Classification: Uncertain significance. Last evaluated: 2025-07-28. Review status: criteria provided, single submitter. Criteria: Invitae Variant Classification Sherloc (09022015). Collection method: clinical testing. Allele origin: germline.
Comment: This sequence change replaces threonine, which is neutral and polar, with isoleucine, which is neutral and non-polar, at codon 318 of the ESCO2 protein (p.Thr318Ile). This variant is not present in population databases (gnomAD no frequency). This variant has not been reported in the literature in individuals affected with ESCO2-related conditions. ClinVar contains an entry for this variant (Variation ID: 2417164). An algorithm developed to predict the effect of missense changes on protein structure and function (PolyPhen-2) suggests that this variant is likely to be tolerated. Algorithms developed to predict the effect of sequence changes on RNA splicing suggest that this variant may disrupt the consensus splice site. In summary, the available evidence is currently insufficient to determine the role of this variant in disease. Therefore, it has been classified as a Variant of Uncertain Significance.

NM_001017420.3(ESCO2):c.953C>T (p.Thr318Ile)

Gene: ESCO2 (establishment of sister chromatid cohesion N-acetyltransferase 2; plus strand). Cytogenetic location: 8p21.1.
Variant type: single nucleotide variant.
Coding change: c.953C>T on transcript NM_001017420.3 (MANE Select); coding-DNA position 953, C replaced by T.
Protein change: p.Thr318Ile; replaces threonine 318 with isoleucine.
Molecular consequence: missense variant.
Genome position (GRCh38, 1-based): chr8:27,780,265, C>T. VCF-style: chr8-27780265-C-T. GRCh37 (hg19) VCF-style: chr8-27637782-C-T.
Other names: short protein forms T318I.
Identifiers: ClinVar variation 2417164 (VCV002417164.6), dbSNP rs780506917, ClinGen allele CA4692159.
Genomic context (GRCh38, chr8:27,780,265, plus strand): 5'-AACATAAAGTTGATAAAAATGAGGCTTTTTCTTCAGAGGATTCTCTTGGTGAGAATAAGA[C>T]AAGTAAGAGAAAACTCGCATGAATTTAGCTGCTTAAAATAATGCTTTATTACATACATTA-3'
Protein context (NP_001017420.1, residues 308-328): SSEDSLGENK[Thr318Ile]ISPKSTVYPI